The following is an entry in ClinVar:

ClinVar aggregate classification (germline): Uncertain significance. Review status: criteria provided, multiple submitters, no conflicts (2 of 4 stars). 3 submissions from 3 submitters: Uncertain significance (2). 1 of the submissions does not count toward it. Last evaluated 2026-03-24.

Conditions:
Cohen syndrome (COH1). Also called: PEPPER SYNDROME; Cutis verticis gyrata, retinitis pigmentosa, and sensorineural deafness. Identifiers: Orphanet 193, MedGen C0265223, MONDO:0008999, OMIM 216550.
VPS13B-related disorder. Also called: VPS13B-related condition.

Allele frequency attached by ClinVar (database versions not stated): gnomAD exomes below 0.00001; TOPMed 0.00001; gnomAD 0.00002.
gnomAD v4.1: 4 of 1,613,662 alleles (0.00025%); highest among the groups gnomAD compares: African/African-American, 0.0053%; no homozygotes.

Submissions (3):

PreventionGenetics, part of Exact Sciences
Classification: Uncertain significance for VPS13B-related condition. Last evaluated: 2026-03-24. Review status: criteria provided, single submitter. Criteria: ACMG Guidelines, 2015. Collection method: clinical testing. Allele origin: germline.
Comment: The VPS13B c.865A>G variant is predicted to result in the amino acid substitution p.Ile289Val. To our knowledge, this variant has not been reported in the literature. This variant is reported in 0.012% of alleles in individuals of African descent in gnomAD. At this time, the clinical significance of this variant is uncertain due to the absence of conclusive functional and genetic evidence.

Labcorp Genetics (formerly Invitae), Labcorp
Classification: Uncertain significance for Cohen syndrome. Last evaluated: 2026-01-19. Review status: criteria provided, single submitter. Criteria: Invitae Variant Classification Sherloc (09022015). Collection method: clinical testing. Allele origin: germline.
Comment: This sequence change replaces isoleucine, which is neutral and non-polar, with valine, which is neutral and non-polar, at codon 289 of the VPS13B protein (p.Ile289Val). This variant is present in population databases (no rsID available, gnomAD 0.01%). This variant has not been reported in the literature in individuals affected with VPS13B-related conditions. ClinVar contains an entry for this variant (Variation ID: 857397). Invitae Evidence Modeling of protein sequence and biophysical properties (such as structural, functional, and spatial information, amino acid conservation, physicochemical variation, residue mobility, and thermodynamic stability) has been performed for this missense variant. However, the output from this modeling did not meet the statistical confidence thresholds required to predict the impact of this variant on VPS13B protein function. In summary, the available evidence is currently insufficient to determine the role of this variant in disease. Therefore, it has been classified as a Variant of Uncertain Significance.

Natera, Inc.
Classification: Uncertain significance for Cohen syndrome. Last evaluated: 2021-06-01. Review status: no assertion criteria provided. Collection method: clinical testing. Allele origin: germline. Not counted in ClinVar's aggregate classification.

NM_152564.5(VPS13B):c.865A>G (p.Ile289Val)

Gene: VPS13B (vacuolar protein sorting 13 homolog B; plus strand). Cytogenetic location: 8q22.2.
Variant type: single nucleotide variant.
Coding change: c.865A>G on transcript NM_152564.5 (MANE Select); coding-DNA position 865, A replaced by G.
Protein change: p.Ile289Val; replaces isoleucine 289 with valine.
Molecular consequence: missense variant. On other transcripts: non-coding transcript variant (1).
Genome position (GRCh38, 1-based): chr8:99,115,802, A>G. VCF-style: chr8-99115802-A-G. GRCh37 (hg19) VCF-style: chr8-100128030-A-G.
Other names: c.865A>G (NM_152564.4); c.865A>G, p.Ile289Val (NM_015243.3, NM_017890.5, NM_181661.3); short protein forms I289V.
Identifiers: ClinVar variation 857397 (VCV000857397.13), dbSNP rs943316620, ClinGen allele CA182884737.